The following is an entry in ClinVar:

ClinVar aggregate classification (germline): Benign/Likely benign. Review status: criteria provided, multiple submitters, no conflicts (2 of 4 stars). 4 submissions from 4 submitters: Benign (3); Likely benign (1). Last evaluated 2026-08-01.

Conditions:
Hereditary breast ovarian cancer syndrome. Also called: BRCA1- and BRCA2-Associated Hereditary Breast and Ovarian Cancer; Hereditary breast and ovarian cancer; Hereditary breast and ovarian cancer syndrome; Hereditary breast and ovarian cancer syndrome (HBOC); Breast and ovarian cancer; Hereditary breast and/or ovarian cancer syndrome. Identifiers: Orphanet 145, MedGen C0677776, MeSH D061325, MONDO:0003582. Disease mechanism: loss of function.

Allele frequency attached by ClinVar (database versions not stated): gnomAD exomes 0.00080 and 0.00216; ExAC 0.00268; gnomAD 0.00847 and 0.00901; 1000 Genomes Project 0.00919; TOPMed 0.00925; 1000 Genomes Project 30x 0.00953; ESP Exome Variant Server 0.00954.
gnomAD v4.1: 2,500 of 1,606,150 alleles (0.16%); highest among the groups gnomAD compares: African/African-American, 3%; 35 homozygotes.

Submissions (4):

CeGaT Center for Human Genetics Tuebingen
Classification: Benign. Last evaluated: 2026-08-01. Review status: criteria provided, single submitter. Criteria: CeGaT Center For Human Genetics Tuebingen Variant Classification Criteria Version 2. Collection method: clinical testing. Allele origin: germline. Affected: yes. Observed: 2 variant alleles.
Comment: RAD51B: BS1, BS2

Mayo Clinic Laboratories, Mayo Clinic
Classification: Likely benign. Last evaluated: 2025-01-21. Review status: criteria provided, single submitter. Criteria: ACMG Guidelines, 2015. Collection method: clinical testing. Allele origin: germline. Observed: 1 variant allele.
Comment: BS1, BP4

Ambry Genetics
Classification: Benign. Last evaluated: 2024-07-08. Review status: criteria provided, single submitter. Criteria: Ambry Variant Classification Scheme 2023. Collection method: clinical testing. Allele origin: germline.

National Health Laboratory Service, Universitas Academic Hospital and University of the Free State
Classification: Benign for Hereditary breast ovarian cancer syndrome. Last evaluated: 2022-04-19. Review status: criteria provided, single submitter. Criteria: ACMG Guidelines, 2015. Collection method: clinical testing. Allele origin: germline. Affected: yes. Observed: 17 variant alleles.

NM_133510.4(RAD51B):c.748T>G (p.Ser250Ala)

Gene: RAD51B (RAD51 paralog B; plus strand). Cytogenetic location: 14q24.1.
Variant type: single nucleotide variant.
Coding change: c.748T>G on transcript NM_133510.4 (MANE Select); coding-DNA position 748, T replaced by G.
Protein change: p.Ser250Ala; replaces serine 250 with alanine.
Molecular consequence: missense variant.
Genome position (GRCh38, 1-based): chr14:67,887,196, T>G. VCF-style: chr14-67887196-T-G. GRCh37 (hg19) VCF-style: chr14-68353913-T-G.
Other names: NP_001308747.1:p.Ser250Ala; p.Ser250Ala; c.748T>G (NM_133509.4, NM_133510.3); c.748T>G, p.Ser250Ala (NM_001321821.2, NM_002877.6, NM_133509.5 and 6 more transcripts); c.634T>G, p.Ser212Ala (NM_001321815.1); c.391T>G, p.Ser131Ala (NM_001321817.2); short protein forms S131A, S212A, S250A.
Identifiers: ClinVar variation 1678953 (VCV001678953.16), dbSNP rs33929366, ClinGen allele CA7241159.